The following is an entry in ClinVar:

ClinVar aggregate classification (germline): Uncertain significance. Review status: criteria provided, multiple submitters, no conflicts (2 of 4 stars). 3 submissions from 3 submitters: Uncertain significance (3). Last evaluated 2026-02-24.

Conditions:
Cardiovascular phenotype. Identifiers: MedGen CN230736.

Allele frequency attached by ClinVar (database versions not stated): gnomAD exomes 0.00001; TOPMed 0.00001.
gnomAD v4.1: 19 of 1,550,186 alleles (0.0012%); highest among the groups gnomAD compares: Admixed American, 0.002%; no homozygotes.

Submissions (3):

Ambry Genetics
Classification: Uncertain significance for Cardiovascular phenotype. Last evaluated: 2026-02-24. Review status: criteria provided, single submitter. Criteria: Ambry Variant Classification Scheme 2023. Collection method: clinical testing. Allele origin: germline.
Comment: The p.L760W variant (also known as c.2279T>G), located in coding exon 3 of the TNXB gene, results from a T to G substitution at nucleotide position 2279. The leucine at codon 760 is replaced by tryptophan, an amino acid with similar properties. This amino acid position is well conserved in available vertebrate species. In addition, the in silico prediction for this alteration is inconclusive. Based on the available evidence, the clinical significance of this variant remains unclear.

Women's Health and Genetics/Laboratory Corporation of America, LabCorp
Classification: Uncertain significance. Last evaluated: 2025-05-13. Review status: criteria provided, single submitter. Criteria: LabCorp Variant Classification Summary - May 2015. Collection method: clinical testing. Allele origin: germline.
Comment: Variant summary: TNXB c.2279T>G (p.Leu760Trp) results in a non-conservative amino acid change in the encoded protein sequence. Algorithms developed to predict the effect of missense changes on protein structure and function are either unavailable or do not agree on the potential impact of this missense change. The variant allele was found at a frequency of 1.3e-05 in 157204 control chromosomes. The available data on variant occurrences in the general population are insufficient to allow any conclusion about variant significance. c.2279T>G has been observed in individual(s) affected with Autosomal dominant polycystic kidney disease (Schnauer_2020). These report(s) do not provide unequivocal conclusions about association of the variant with Ehlers-Danlos syndrome due to tenascin-X deficiency. To our knowledge, no experimental evidence demonstrating an impact on protein function has been reported. The following publication has been ascertained in the context of this evaluation (PMID: 32398770). ClinVar contains an entry for this variant (Variation ID: 3025254). Based on the evidence outlined above, the variant was classified as uncertain significance.

CeGaT Center for Human Genetics Tuebingen
Classification: Uncertain significance. Last evaluated: 2024-01-01. Review status: criteria provided, single submitter. Criteria: CeGaT Center For Human Genetics Tuebingen Variant Classification Criteria Version 2. Collection method: clinical testing. Allele origin: germline. Affected: yes. Observed: 1 variant allele.
Comment: TNXB: PM2

Literature cited by the submitters: PubMed 32398770 (cited by Women's Health and Genetics/Laboratory Corporation of America, LabCorp).

NM_001365276.2(TNXB):c.2279T>G (p.Leu760Trp)

Gene: TNXB (tenascin XB; minus strand). Cytogenetic location: 6p21.33.
Variant type: single nucleotide variant.
Coding change: c.2279T>G on transcript NM_001365276.2 (MANE Select); coding-DNA position 2279, T replaced by G.
Protein change: p.Leu760Trp; replaces leucine 760 with tryptophan.
Molecular consequence: missense variant.
Genome position (GRCh38, 1-based): chr6:32,095,155, A>C on the plus strand (T>G on the coding strand, the complement: TNXB is on the minus strand). VCF-style: chr6-32095155-A-C. GRCh37 (hg19) VCF-style: chr6-32062932-A-C.
Other names: c.2279T>G (NM_019105.6); c.2279T>G, p.Leu760Trp (NM_019105.8); short protein forms L760W.
Identifiers: ClinVar variation 3025254 (VCV003025254.22), dbSNP rs895586312, ClinGen allele CA136905156.